The following is an entry in ClinVar:

NM_003073.5(SMARCB1):c.958A>G (p.Ser320Gly)

Gene: SMARCB1 (SWI/SNF related BAF chromatin remodeling complex subunit B1; plus strand). Cytogenetic location: 22q11.23.
Variant type: single nucleotide variant.
Coding change: c.958A>G on transcript NM_003073.5 (MANE Select); coding-DNA position 958, A replaced by G.
Protein change: p.Ser320Gly; replaces serine 320 with glycine.
Molecular consequence: missense variant.
Genome position (GRCh38, 1-based): chr22:23,825,387, A>G. VCF-style: chr22-23825387-A-G. GRCh37 (hg19) VCF-style: chr22-24167574-A-G.
Other names: c.931A>G, p.Ser311Gly (NM_001007468.3); c.985A>G, p.Ser329Gly (NM_001317946.2); c.1012A>G, p.Ser338Gly (NM_001362877.2); short protein forms S329G, S338G, S320G, S311G.
Identifiers: ClinVar variation 3320796 (VCV003320796.2).

ClinVar aggregate classification (germline): Uncertain significance. Review status: criteria provided, multiple submitters, no conflicts (2 of 4 stars). 2 submissions from 2 submitters: Uncertain significance (2). Last evaluated 2025-09-10.

Conditions:
Hereditary cancer-predisposing syndrome. Also called: Neoplastic Syndromes, Hereditary; Tumor predisposition; Hereditary neoplastic syndrome; Hereditary Cancer Syndrome. Identifiers: Orphanet 140162, MedGen C0027672, MeSH D009386, MONDO:0015356.

Submissions (2):

Labcorp Genetics (formerly Invitae), Labcorp
Classification: Uncertain significance. Last evaluated: 2025-09-10. Review status: criteria provided, single submitter. Criteria: Invitae Variant Classification Sherloc (09022015). Collection method: clinical testing. Allele origin: germline.
Comment: This sequence change replaces serine, which is neutral and polar, with glycine, which is neutral and non-polar, at codon 320 of the SMARCB1 protein (p.Ser320Gly). This variant is not present in population databases (gnomAD no frequency). This variant has not been reported in the literature in individuals affected with SMARCB1-related conditions. ClinVar contains an entry for this variant (Variation ID: 3320796). Invitae Evidence Modeling of protein sequence and biophysical properties (such as structural, functional, and spatial information, amino acid conservation, physicochemical variation, residue mobility, and thermodynamic stability) indicates that this missense variant is not expected to disrupt SMARCB1 protein function with a negative predictive value of 80%. In summary, the available evidence is currently insufficient to determine the role of this variant in disease. Therefore, it has been classified as a Variant of Uncertain Significance.

Ambry Genetics
Classification: Uncertain significance for Hereditary cancer-predisposing syndrome. Last evaluated: 2024-04-12. Review status: criteria provided, single submitter. Criteria: Ambry Variant Classification Scheme 2023. Collection method: clinical testing. Allele origin: germline.
Comment: The p.S320G variant (also known as c.958A>G), located in coding exon 7 of the SMARCB1 gene, results from an A to G substitution at nucleotide position 958. The serine at codon 320 is replaced by glycine, an amino acid with similar properties. This amino acid position is conserved. In addition, the in silico prediction for this alteration is inconclusive. Based on the available evidence, the clinical significance of this variant remains unclear.